The following is an entry in ClinVar:

NM_001191057.4(PDE1C):c.1076C>T (p.Pro359Leu)

Gene: PDE1C (phosphodiesterase 1C; minus strand). Cytogenetic location: 7p14.3.
Variant type: single nucleotide variant.
Coding change: c.1076C>T on transcript NM_001191057.4 (MANE Select); coding-DNA position 1076, C replaced by T.
Protein change: p.Pro359Leu; replaces proline 359 with leucine.
Molecular consequence: missense variant.
Genome position (GRCh38, 1-based): chr7:31,837,876, G>A on the plus strand (C>T on the coding strand, the complement: PDE1C is on the minus strand). VCF-style: chr7-31837876-G-A. GRCh37 (hg19) VCF-style: chr7-31877490-G-A.
Other names: c.1076C>T, p.Pro359Leu (NM_001191056.3, NM_001191059.4, NM_001322055.2 and 3 more transcripts); c.1256C>T, p.Pro419Leu (NM_001191058.4, NM_001322058.2); c.1481C>T, p.Pro494Leu (NM_001322059.2); short protein forms P359L, P419L, P494L.
Identifiers: ClinVar variation 1518318 (VCV001518318.8), dbSNP rs770106484, ClinGen allele CA4211038.
Genomic context (GRCh38, chr7:31,837,876, plus strand): 5'-AGGACCCATTCAAACACCTATACAAACAAAAACACAAGCCACAAGCACACTTACGCTTCT[G>A]GCTGCTGCAGAGCAGTCTTCATTGCTTTGATTTGTTGGAAGTGACAAGACATATCTGTGG-3'
Protein context (NP_001177986.1, residues 349-369): IKAMKTALQQ[Pro359Leu]EAIEKPKALS

ClinVar aggregate classification (germline): Uncertain significance (1 of 4 stars; one submission).

Allele frequency attached by ClinVar (database versions not stated): gnomAD exomes below 0.00001; ExAC 0.00001; TOPMed 0.00001.
gnomAD v4.1: 1 of 1,609,932 alleles (0.000062%); highest among the groups gnomAD compares: Non-Finnish European, 0.000085%; no homozygotes.

Submission:

Labcorp Genetics (formerly Invitae), Labcorp
Classification: Uncertain significance. Last evaluated: 2021-01-21. Review status: criteria provided, single submitter. Criteria: Invitae Variant Classification Sherloc (09022015). Collection method: clinical testing. Allele origin: germline.
Comment: This sequence change replaces proline with leucine at codon 419 of the PDE1C protein (p.Pro419Leu). The proline residue is highly conserved and there is a moderate physicochemical difference between proline and leucine. This variant is present in population databases (rs770106484, ExAC 0.001%). This variant has not been reported in the literature in individuals with PDE1C-related conditions. Algorithms developed to predict the effect of missense changes on protein structure and function are either unavailable or do not agree on the potential impact of this missense change (SIFT: "Not Available"; PolyPhen-2: "Benign"; Align-GVGD: "Not Available"). In summary, the available evidence is currently insufficient to determine the role of this variant in disease. Therefore, it has been classified as a Variant of Uncertain Significance.